The following is an entry in ClinVar:

ClinVar aggregate classification (germline): Uncertain significance. Review status: criteria provided, single submitter (1 of 4 stars). 2 submissions from 2 submitters: Uncertain significance (1). 1 of the submissions does not count toward it. Last evaluated 2018-01-13.

Conditions:
FANCL-related disorder. Also called: FANCL-related condition.
Fanconi anemia complementation group L (FANCL). Also called: FANCL-Related Fanconi Anemia. Identifiers: Orphanet 84, MedGen C3469528, MONDO:0013566, OMIM 614083.

Allele frequency attached by ClinVar (database versions not stated): TOPMed 0.00004.
gnomAD v4.1: 106 of 1,588,602 alleles (0.0067%); highest among the groups gnomAD compares: African/African-American, 0.0094%; no homozygotes.

Submissions (2):

Illumina Laboratory Services, Illumina
Classification: Uncertain significance for Fanconi anemia complementation group L. Last evaluated: 2018-01-13. Review status: criteria provided, single submitter. Criteria: ICSL Variant Classification Criteria 13 December 2019. Collection method: clinical testing. Allele origin: germline.

PreventionGenetics, part of Exact Sciences
Classification: Likely benign for FANCL-related condition. Last evaluated: 2022-12-27. Review status: no assertion criteria provided. Collection method: clinical testing. Allele origin: germline. Not counted in ClinVar's aggregate classification.
Comment: This variant is classified as likely benign based on ACMG/AMP sequence variant interpretation guidelines (Richards et al. 2015 PMID: 25741868, with internal and published modifications).

NM_001114636.1(FANCL):c.-44C>T

Gene: FANCL (FA complementation group L; minus strand). Cytogenetic location: 2p16.1.
Variant type: single nucleotide variant.
Coding change: c.-44C>T on transcript NM_001114636.1; 44 bases upstream of the start codon, C replaced by T.
Genome position (GRCh38, 1-based): chr2:58,241,357, G>A on the plus strand (C>T on the coding strand, the complement: FANCL is on the minus strand). VCF-style: chr2-58241357-G-A. GRCh37 (hg19) VCF-style: chr2-58468492-G-A.
Other names: c.-44C>T (NM_018062.3).
Identifiers: ClinVar variation 336659 (VCV000336659.9), dbSNP rs780348127, ClinGen allele CA1670891.